The following is an entry in ClinVar:

ClinVar aggregate classification (germline): Uncertain significance (1 of 4 stars; one submission).

Conditions:
Nance-Horan syndrome (NHS). Identifiers: Orphanet 627, MedGen C0796085, MONDO:0010545, OMIM 302350.

Submission:

Labcorp Genetics (formerly Invitae), Labcorp
Classification: Uncertain significance for Nance-Horan syndrome. Last evaluated: 2025-03-01. Review status: criteria provided, single submitter. Criteria: Invitae Variant Classification Sherloc (09022015). Collection method: clinical testing. Allele origin: germline.
Comment: This sequence change replaces glutamic acid, which is acidic and polar, with aspartic acid, which is acidic and polar, at codon 48 of the NHS protein (p.Glu48Asp). This variant is not present in population databases (gnomAD no frequency). This variant has not been reported in the literature in individuals affected with NHS-related conditions. An algorithm developed to predict the effect of missense changes on protein structure and function (PolyPhen-2) suggests that this variant is likely to be tolerated. In summary, the available evidence is currently insufficient to determine the role of this variant in disease. Therefore, it has been classified as a Variant of Uncertain Significance.

NM_001291867.2(NHS):c.144G>C (p.Glu48Asp)

Gene: NHS (NHS actin remodeling regulator; plus strand). Cytogenetic location: Xp22.2.
Variant type: single nucleotide variant.
Coding change: c.144G>C on transcript NM_001291867.2 (MANE Select); coding-DNA position 144, G replaced by C.
Protein change: p.Glu48Asp; replaces glutamic acid 48 with aspartic acid.
Molecular consequence: missense variant.
Genome position (GRCh38, 1-based): chrX:17,375,901, G>C. VCF-style: chrX-17375901-G-C. GRCh37 (hg19) VCF-style: chrX-17394024-G-C.
Other names: c.144G>C, p.Glu48Asp (NM_198270.4); short protein forms E48D.
Identifiers: ClinVar variation 4713730 (VCV004713730.1).